The following is an entry in ClinVar:

NM_001142800.2(EYS):c.1055A>C (p.Asn352Thr)

Gene: EYS (EGF-like photoreceptor maintenance factor; minus strand). Cytogenetic location: 6q12.
Variant type: single nucleotide variant.
Coding change: c.1055A>C on transcript NM_001142800.2 (MANE Select); coding-DNA position 1055, A replaced by C.
Protein change: p.Asn352Thr; replaces asparagine 352 with threonine.
Molecular consequence: missense variant.
Genome position (GRCh38, 1-based): chr6:65,405,175, T>G on the plus strand (A>C on the coding strand, the complement: EYS is on the minus strand). VCF-style: chr6-65405175-T-G. GRCh37 (hg19) VCF-style: chr6-66115068-T-G.
Other names: c.1055A>C, p.Asn352Thr (NM_001142801.2, NM_001292009.2, NM_198283.2); short protein forms N352T.
Identifiers: ClinVar variation 2718689 (VCV002718689.3), dbSNP rs1582248744, ClinGen allele CA364662551.
Genomic context (GRCh38, chr6:65,405,175, plus strand): 5'-GCTTGGTAATAGTAAAAAAAATTTAAAACCACTCACTTATATGTTAGATTGAGACTTACA[T>G]TTGATATTTTGATGCAGTCAGTACCATTCTGACATGGTACTAATGAAAACTCACTGACAT-3'
Protein context (NP_001136272.1, residues 342-362): QNGTDCIKIS[Asn352Thr]DVMCICSPIF

ClinVar aggregate classification (germline): Uncertain significance (1 of 4 stars; one submission).

Allele frequency attached by ClinVar (database versions not stated): gnomAD exomes below 0.00001; TOPMed 0.00001.
gnomAD v4.1: 1 of 1,608,800 alleles (0.000062%); highest among the groups gnomAD compares: African/African-American, 0.0013%; no homozygotes.

Submission:

Labcorp Genetics (formerly Invitae), Labcorp
Classification: Uncertain significance. Last evaluated: 2023-05-09. Review status: criteria provided, single submitter. Criteria: Invitae Variant Classification Sherloc (09022015). Collection method: clinical testing. Allele origin: germline.
Comment: In summary, the available evidence is currently insufficient to determine the role of this variant in disease. Therefore, it has been classified as a Variant of Uncertain Significance. Algorithms developed to predict the effect of missense changes on protein structure and function output the following: SIFT: "Not Available"; PolyPhen-2: "Benign"; Align-GVGD: "Not Available". The threonine amino acid residue is found in multiple mammalian species, which suggests that this missense change does not adversely affect protein function. This variant has not been reported in the literature in individuals affected with EYS-related conditions. This variant is not present in population databases (gnomAD no frequency). This sequence change replaces asparagine, which is neutral and polar, with threonine, which is neutral and polar, at codon 352 of the EYS protein (p.Asn352Thr).